The following is an entry in ClinVar:

NM_004714.3(DYRK1B):c.1050G>T (p.Leu350=)

Gene: DYRK1B (dual specificity tyrosine phosphorylation regulated kinase 1B; minus strand). Cytogenetic location: 19q13.2.
Variant type: single nucleotide variant.
Coding change: c.1050G>T on transcript NM_004714.3 (MANE Select); coding-DNA position 1050, G replaced by T.
Protein change: p.Leu350=; no amino-acid change (leucine 350 retained).
Molecular consequence: synonymous variant.
Genome position (GRCh38, 1-based): chr19:39,827,330, C>A on the plus strand (G>T on the coding strand, the complement: DYRK1B is on the minus strand). VCF-style: chr19-39827330-C-A. GRCh37 (hg19) VCF-style: chr19-40317970-C-A.
Other names: c.1050G>T, p.Leu350= (NM_006483.3, NM_006484.3).
Identifiers: ClinVar variation 4989646 (VCV004989646.1).

ClinVar aggregate classification (germline): Likely benign (1 of 4 stars; one submission).

Conditions:
DYRK1B-related disorder. Also called: DYRK1B-related condition.

gnomAD v4.1: 2 of 1,613,626 alleles (0.00012%); highest among the groups gnomAD compares: African/African-American, 0.0027%; no homozygotes.

Submission:

PreventionGenetics, part of Exact Sciences
Classification: Likely benign for DYRK1B-related condition. Last evaluated: 2024-11-20. Review status: criteria provided, single submitter. Criteria: ACMG Guidelines, 2015. Collection method: clinical testing. Allele origin: germline.
Comment: This variant is classified as likely benign based on ACMG/AMP sequence variant interpretation guidelines (Richards et al. 2015 PMID: 25741868, with internal and published modifications).